The following is an entry in ClinVar:

NM_000642.3(AGL):c.515G>C (p.Cys172Ser)

Gene: AGL (amylo-alpha-1,6-glucosidase and 4-alpha-glucanotransferase; plus strand). Cytogenetic location: 1p21.2.
Variant type: single nucleotide variant.
Coding change: c.515G>C on transcript NM_000642.3 (MANE Select); coding-DNA position 515, G replaced by C.
Protein change: p.Cys172Ser; replaces cysteine 172 with serine.
Molecular consequence: missense variant.
Genome position (GRCh38, 1-based): chr1:99,864,440, G>C. VCF-style: chr1-99864440-G-C. GRCh37 (hg19) VCF-style: chr1-100329996-G-C.
Other names: c.515G>C, p.Cys172Ser (NM_000028.3, NM_000643.3, NM_000644.3 and 3 more transcripts); c.467G>C, p.Cys156Ser (NM_000646.3); c.137G>C, p.Cys46Ser (NM_001425332.1); short protein forms C172S, C156S, C46S.
Identifiers: ClinVar variation 291325 (VCV000291325.8), dbSNP rs766234642, ClinGen allele CA966202.

ClinVar aggregate classification (germline): Conflicting classifications of pathogenicity. Review status: criteria provided, conflicting classifications (1 of 4 stars). 3 submissions from 3 submitters: Uncertain significance (2); Likely benign (1). Last evaluated 2022-02-10.

Conditions:
Inborn genetic diseases. Identifiers: MedGen C0950123, MeSH D030342.
Glycogen storage disease type III (GSD3). Also called: FORBES DISEASE; Cori disease. Identifiers: Orphanet 366, MedGen C0017922, MONDO:0009291, OMIM 232400.

Allele frequency attached by ClinVar (database versions not stated): gnomAD 0.00001; gnomAD exomes 0.00001 and 0.00004; TOPMed 0.00001; ExAC 0.00003.
gnomAD v4.1: 12 of 1,613,782 alleles (0.00074%); highest among the groups gnomAD compares: East Asian, 0.027%; no homozygotes.

Submissions (3):

Ambry Genetics
Classification: Likely benign for Inborn genetic diseases. Last evaluated: 2022-02-10. Review status: criteria provided, single submitter. Criteria: Ambry Variant Classification Scheme 2023. Collection method: clinical testing. Allele origin: germline.

Labcorp Genetics (formerly Invitae), Labcorp
Classification: Uncertain significance for Glycogen storage disease type III. Last evaluated: 2021-11-30. Review status: criteria provided, single submitter. Criteria: Invitae Variant Classification Sherloc (09022015). Collection method: clinical testing. Allele origin: germline.
Comment: This sequence change replaces cysteine, which is neutral and slightly polar, with serine, which is neutral and polar, at codon 172 of the AGL protein (p.Cys172Ser). This variant is present in population databases (rs766234642, gnomAD 0.06%). This variant has not been reported in the literature in individuals affected with AGL-related conditions. ClinVar contains an entry for this variant (Variation ID: 291325). Algorithms developed to predict the effect of missense changes on protein structure and function output the following: SIFT: "Tolerated"; PolyPhen-2: "Benign"; Align-GVGD: "Class C0". The serine amino acid residue is found in multiple mammalian species, which suggests that this missense change does not adversely affect protein function. In summary, the available evidence is currently insufficient to determine the role of this variant in disease. Therefore, it has been classified as a Variant of Uncertain Significance.

Illumina Laboratory Services, Illumina
Classification: Uncertain significance for Glycogen storage disease type III. Last evaluated: 2018-01-13. Review status: criteria provided, single submitter. Criteria: ICSL Variant Classification Criteria 13 December 2019. Collection method: clinical testing. Allele origin: germline.